The following is an entry in ClinVar:

ClinVar aggregate classification (germline): Uncertain significance. Review status: criteria provided, multiple submitters, no conflicts (2 of 4 stars). 2 submissions from 2 submitters: Uncertain significance (2). Last evaluated 2025-09-25.

Conditions:
Idiopathic Pulmonary Fibrosis. Also called: Idiopathic fibrosing alveolitis, chronic form; idiopathic fibrosing alveolitis. Identifiers: Orphanet 2032, MedGen C1800706, MeSH D054990, MONDO:0800504.
Dyskeratosis congenita, autosomal dominant 2. Identifiers: MedGen C3151443, MONDO:0013521, OMIM 613989.
Dyskeratosis congenita. Identifiers: Orphanet 1775, MedGen C0265965, MONDO:0015780.

gnomAD v4.1: 1 of 1,589,198 alleles (0.000063%); highest among the groups gnomAD compares: Non-Finnish European, 0.000085%; no homozygotes.

Submissions (2):

Ambry Genetics
Classification: Uncertain significance for Dyskeratosis congenita. Last evaluated: 2025-09-25. Review status: criteria provided, single submitter. Criteria: Ambry Variant Classification Scheme 2023. Collection method: clinical testing. Allele origin: germline.
Comment: The p.A276D variant (also known as c.827C>A), located in coding exon 2 of the TERT gene, results from a C to A substitution at nucleotide position 827. The alanine at codon 276 is replaced by aspartic acid, an amino acid with dissimilar properties. This amino acid position is conserved. In addition, this alteration is predicted to be tolerated by in silico analysis. Since supporting evidence is limited at this time, the clinical significance of this alteration remains unclear.

Labcorp Genetics (formerly Invitae), Labcorp
Classification: Uncertain significance for Dyskeratosis congenita, autosomal dominant 2; Idiopathic Pulmonary Fibrosis. Last evaluated: 2023-05-10. Review status: criteria provided, single submitter. Criteria: Invitae Variant Classification Sherloc (09022015). Collection method: clinical testing. Allele origin: germline.
Comment: This sequence change replaces alanine, which is neutral and non-polar, with aspartic acid, which is acidic and polar, at codon 276 of the TERT protein (p.Ala276Asp). In summary, the available evidence is currently insufficient to determine the role of this variant in disease. Therefore, it has been classified as a Variant of Uncertain Significance. Advanced modeling of protein sequence and biophysical properties (such as structural, functional, and spatial information, amino acid conservation, physicochemical variation, residue mobility, and thermodynamic stability) has been performed at Invitae for this missense variant, however the output from this modeling did not meet the statistical confidence thresholds required to predict the impact of this variant on TERT protein function. ClinVar contains an entry for this variant (Variation ID: 1762718). This variant has not been reported in the literature in individuals affected with TERT-related conditions. This variant is not present in population databases (gnomAD no frequency).

NM_198253.3(TERT):c.827C>A (p.Ala276Asp)

Gene: TERT (telomerase reverse transcriptase; minus strand). Cytogenetic location: 5p15.33.
Variant type: single nucleotide variant.
Coding change: c.827C>A on transcript NM_198253.3 (MANE Select); coding-DNA position 827, C replaced by A.
Protein change: p.Ala276Asp; replaces alanine 276 with aspartic acid.
Molecular consequence: missense variant. On other transcripts: non-coding transcript variant (2).
Genome position (GRCh38, 1-based): chr5:1,294,059, G>T on the plus strand (C>A on the coding strand, the complement: TERT is on the minus strand). VCF-style: chr5-1294059-G-T. GRCh37 (hg19) VCF-style: chr5-1294174-G-T.
Other names: c.827C>A, p.Ala276Asp (NM_001193376.3, NM_003219.1); short protein forms A276D.
Identifiers: ClinVar variation 1762718 (VCV001762718.8), dbSNP rs2478419496, ClinGen allele CA359056611.
Genomic context (GRCh38, chr5:1,294,059, plus strand): 5'-TGGGAGTGGCGCGTGCCAGAGAGCGCACCCTCCAAAGAGGTGGCTTCTTCGGCGGGTCTG[G>T]CAGGTGACACCACACAGAAACCACGGTCACTCGGTCCACGCGTCCTGCCCGGGTGGGCCC-3'
Protein context (NP_937983.2, residues 266-286): SDRGFCVVSP[Ala276Asp]RPAEEATSLE